The following is an entry in ClinVar:

ClinVar aggregate classification (germline): Uncertain significance (1 of 4 stars; one submission).

gnomAD v4.1: 9 of 1,599,554 alleles (0.00056%); highest among the groups gnomAD compares: Non-Finnish European, 0.00076%; no homozygotes.

Submission:

Labcorp Genetics (formerly Invitae), Labcorp
Classification: Uncertain significance. Last evaluated: 2025-03-31. Review status: criteria provided, single submitter. Criteria: Invitae Variant Classification Sherloc (09022015). Collection method: clinical testing. Allele origin: germline.
Comment: This sequence change replaces serine, which is neutral and polar, with phenylalanine, which is neutral and non-polar, at codon 2 of the CLUAP1 protein (p.Ser2Phe). The frequency data for this variant in the population databases is considered unreliable, as metrics indicate poor data quality at this position in the gnomAD database. This variant has not been reported in the literature in individuals affected with CLUAP1-related conditions. Invitae Evidence Modeling of protein sequence and biophysical properties (such as structural, functional, and spatial information, amino acid conservation, physicochemical variation, residue mobility, and thermodynamic stability) indicates that this missense variant is expected to disrupt CLUAP1 protein function with a positive predictive value of 80%. In summary, the available evidence is currently insufficient to determine the role of this variant in disease. Therefore, it has been classified as a Variant of Uncertain Significance.

NM_015041.3(CLUAP1):c.5C>T (p.Ser2Phe)

Genes: CLUAP1 (clusterin associated protein 1; plus strand), LOC130058340 (ATAC-STARR-seq lymphoblastoid active region 10324; plus strand). Cytogenetic location: 16p13.3.
Variant type: single nucleotide variant.
Coding change: c.5C>T on transcript NM_015041.3 (MANE Select); coding-DNA position 5, C replaced by T.
Protein change: p.Ser2Phe; replaces serine 2 with phenylalanine.
Molecular consequence: missense variant.
Genome position (GRCh38, 1-based): chr16:3,501,072, C>T. VCF-style: chr16-3501072-C-T. GRCh37 (hg19) VCF-style: chr16-3551072-C-T.
Other names: c.5C>T, p.Ser2Phe (NM_001330454.2); short protein forms S2F.
Identifiers: ClinVar variation 3637795 (VCV003637795.2).
Genomic context (GRCh38, chr16:3,501,072, plus strand): 5'-TGTGATCGCTGAGGGGCGAGCAGTTGCGACCCTGGGCTCCTGGGGACCTGAGCGTTATGT[C>T]TTTCCGCGACCTCCGCAGTAAGGCAGCCCCGCGCCCCTGTGACCTGCGGGTCTTCCAGAG-3'
Protein context (NP_055856.1, residues 1-12): M[Ser2Phe]FRDLRNFTEM